The following is an entry in ClinVar:

NM_004385.5(VCAN):c.2219C>T (p.Ser740Phe)

Gene: VCAN (versican; plus strand). Cytogenetic location: 5q14.3.
Variant type: single nucleotide variant.
Coding change: c.2219C>T on transcript NM_004385.5 (MANE Select); coding-DNA position 2219, C replaced by T.
Protein change: p.Ser740Phe; replaces serine 740 with phenylalanine.
Molecular consequence: missense variant. On other transcripts: intron variant (2).
Genome position (GRCh38, 1-based): chr5:83,520,525, C>T. VCF-style: chr5-83520525-C-T. GRCh37 (hg19) VCF-style: chr5-82816344-C-T.
Other names: c.2219C>T, p.Ser740Phe (NM_001164098.2); c.1042+8129C>T (NM_001164097.2, NM_001126336.3); short protein forms S740F.
Identifiers: ClinVar variation 1483732 (VCV001483732.8), dbSNP rs2112409391, ClinGen allele CA360303458.

ClinVar aggregate classification (germline): Uncertain significance (1 of 4 stars; one submission).

Submission:

Labcorp Genetics (formerly Invitae), Labcorp
Classification: Uncertain significance. Last evaluated: 2022-07-26. Review status: criteria provided, single submitter. Criteria: Invitae Variant Classification Sherloc (09022015). Collection method: clinical testing. Allele origin: germline.
Comment: In summary, the available evidence is currently insufficient to determine the role of this variant in disease. Therefore, it has been classified as a Variant of Uncertain Significance. Algorithms developed to predict the effect of missense changes on protein structure and function output the following: SIFT: "Deleterious"; PolyPhen-2: "Benign"; Align-GVGD: "Class C65". The phenylalanine amino acid residue is found in multiple mammalian species, which suggests that this missense change does not adversely affect protein function. ClinVar contains an entry for this variant (Variation ID: 1483732). This variant has not been reported in the literature in individuals affected with VCAN-related conditions. This variant is not present in population databases (gnomAD no frequency). This sequence change replaces serine, which is neutral and polar, with phenylalanine, which is neutral and non-polar, at codon 740 of the VCAN protein (p.Ser740Phe).